The following is an entry in ClinVar:

ClinVar aggregate classification (germline): Uncertain significance (1 of 4 stars; one submission).

Conditions:
Nizon-Isidor syndrome. Identifiers: MedGen C5394350, MONDO:0030030, OMIM 618872.

Submission:

Neuberg Centre For Genomic Medicine, NCGM
Classification: Uncertain significance for Nizon-Isidor syndrome. Review status: criteria provided, single submitter. Criteria: ACMG Guidelines, 2015. Collection method: clinical testing. Allele origin: germline. Inheritance: Autosomal dominant inheritance. Affected: yes.
Comment: The splice region c.1626G>A(p.Glu542) variant has not been reported previously as a pathogenic variant nor as a benign variant, to our knowledge. The p.Glu542 variant is absent in gnomAD Exomes and 1000 Genomes database. This variant has not been reported to the ClinVar database. Splice AI predicts this variant to cause splice donor loss (0.01) and splice donor gain (0.03). The synonymous variant lies in the splice region. Functional studies are required to prove pathogenicity of the variant. For these reasons, this variant has been classified as Variant of Uncertain Significance(VUS).

NM_001393769.1(MED12L):c.1626G>A (p.Glu542=)

Gene: MED12L (mediator complex subunit 12L; plus strand). Cytogenetic location: 3q25.1.
Variant type: single nucleotide variant.
Coding change: c.1626G>A on transcript NM_001393769.1 (MANE Select); coding-DNA position 1626, G replaced by A.
Protein change: p.Glu542=; no amino-acid change (glutamic acid 542 retained).
Molecular consequence: synonymous variant.
Genome position (GRCh38, 1-based): chr3:151,185,461, G>A. VCF-style: chr3-151185461-G-A. GRCh37 (hg19) VCF-style: chr3-150903248-G-A.
Other names: c.1626G>A, p.Glu542= (NM_053002.6).
Identifiers: ClinVar variation 3242186 (VCV003242186.1), dbSNP rs2530931965.
Genomic context (GRCh38, chr3:151,185,461, plus strand): 5'-GCACAGGGCCATGGCTGTGGCAAAACTCCTGGAGAAGAGGCAAGCAGAAATTGAGGCAGA[G>A]GTAGGTTCCATTTTCTTTCTGCTTGTTGAATGCCGTAATGTAAAAATACTGTTTTGGGGA-3'
Protein context (NP_001380698.1, residues 532-552): LEKRQAEIEA[Glu542=]RCGESEVLDE